The following is an entry in ClinVar:

ClinVar aggregate classification (germline): Uncertain significance. Review status: criteria provided, multiple submitters, no conflicts (2 of 4 stars). 6 submissions from 6 submitters: Uncertain significance (6). Last evaluated 2025-09-29.

Conditions:
BAP1-related tumor predisposition syndrome (TPDS1). Also called: Tumor susceptibility linked to germline BAP1 mutations; BAP1 tumor predisposition syndrome; COMMON Syndrome; TUMOR PREDISPOSITION SYNDROME 1. Identifiers: Orphanet 289539, MedGen C3280492, MONDO:0013692, OMIM 614327.
Hereditary cancer-predisposing syndrome. Also called: Hereditary Cancer Syndrome; Neoplastic Syndromes, Hereditary; Tumor predisposition; Hereditary neoplastic syndrome. Identifiers: Orphanet 140162, MedGen C0027672, MeSH D009386, MONDO:0015356.
BAP1-related disorder. Also called: BAP1-related condition.

Allele frequency attached by ClinVar (database versions not stated): gnomAD exomes below 0.00001; TOPMed below 0.00001.
gnomAD v4.1: 6 of 1,614,006 alleles (0.00037%); highest among the groups gnomAD compares: Non-Finnish European, 0.00042%; no homozygotes.

Submissions (6):

Labcorp Genetics (formerly Invitae), Labcorp
Classification: Uncertain significance for BAP1-related tumor predisposition syndrome. Last evaluated: 2025-09-29. Review status: criteria provided, single submitter. Criteria: Invitae Variant Classification Sherloc (09022015). Collection method: clinical testing. Allele origin: germline.
Comment: This sequence change replaces arginine, which is basic and polar, with histidine, which is basic and polar, at codon 508 of the BAP1 protein (p.Arg508His). This variant is not present in population databases (gnomAD no frequency). This variant has not been reported in the literature in individuals affected with BAP1-related conditions. ClinVar contains an entry for this variant (Variation ID: 490797). Invitae Evidence Modeling of protein sequence and biophysical properties (such as structural, functional, and spatial information, amino acid conservation, physicochemical variation, residue mobility, and thermodynamic stability) has been performed for this missense variant. However, the output from this modeling did not meet the statistical confidence thresholds required to predict the impact of this variant on BAP1 protein function. In summary, the available evidence is currently insufficient to determine the role of this variant in disease. Therefore, it has been classified as a Variant of Uncertain Significance.

GeneDx
Classification: Uncertain significance. Last evaluated: 2024-08-14. Review status: criteria provided, single submitter. Criteria: GeneDx Variant Classification Process June 2021. Collection method: clinical testing. Allele origin: germline. Affected: yes.
Comment: Not observed at significant frequency in large population cohorts (gnomAD); In silico analysis indicates that this missense variant does not alter protein structure/function; Has not been previously published as pathogenic or benign to our knowledge

Ambry Genetics
Classification: Uncertain significance for Hereditary cancer-predisposing syndrome. Last evaluated: 2024-07-19. Review status: criteria provided, single submitter. Criteria: Ambry Variant Classification Scheme 2023. Collection method: clinical testing. Allele origin: germline.
Comment: The p.R508H variant (also known as c.1523G>A), located in coding exon 13 of the BAP1 gene, results from a G to A substitution at nucleotide position 1523. The arginine at codon 508 is replaced by histidine, an amino acid with highly similar properties. This amino acid position is highly conserved in available vertebrate species. In addition, the in silico prediction for this alteration is inconclusive. Based on the available evidence, the clinical significance of this variant remains unclear.

Baylor Genetics
Classification: Uncertain significance for BAP1-related tumor predisposition syndrome. Last evaluated: 2023-11-30. Review status: criteria provided, single submitter. Criteria: ACMG Guidelines, 2015. Collection method: clinical testing. Allele origin: unknown.

PreventionGenetics, part of Exact Sciences
Classification: Uncertain significance for BAP1-related condition. Last evaluated: 2023-09-11. Review status: criteria provided, single submitter. Criteria: ACMG Guidelines, 2015. Collection method: clinical testing. Allele origin: germline.
Comment: The BAP1 c.1523G>A variant is predicted to result in the amino acid substitution p.Arg508His. To our knowledge, this variant has not been reported in the literature or in a large population database, indicating this variant is rare. It is interpreted as a variant of uncertain significance in ClinVar. At this time, the clinical significance of this variant is uncertain due to the absence of conclusive functional and genetic evidence.

Color Diagnostics, LLC DBA Color Health
Classification: Uncertain significance for Hereditary cancer-predisposing syndrome. Last evaluated: 2019-02-19. Review status: criteria provided, single submitter. Criteria: ACMG Guidelines, 2015. Collection method: clinical testing. Allele origin: germline.

NM_004656.4(BAP1):c.1523G>A (p.Arg508His)

Gene: BAP1 (BRCA1 associated deubiquitinase 1; minus strand). Cytogenetic location: 3p21.1.
Variant type: single nucleotide variant.
Coding change: c.1523G>A on transcript NM_004656.4 (MANE Select); coding-DNA position 1523, G replaced by A.
Protein change: p.Arg508His; replaces arginine 508 with histidine.
Molecular consequence: missense variant.
Genome position (GRCh38, 1-based): chr3:52,403,622, C>T on the plus strand (G>A on the coding strand, the complement: BAP1 is on the minus strand). VCF-style: chr3-52403622-C-T. GRCh37 (hg19) VCF-style: chr3-52437638-C-T.
Other names: c.1523G>A (NM_004656.2); short protein forms R508H.
Identifiers: ClinVar variation 490797 (VCV000490797.16), dbSNP rs1553644908, ClinGen allele CA353100842.